The following is an entry in ClinVar:

NM_015001.3(SPEN):c.6185T>C (p.Val2062Ala)

Gene: SPEN (spen family transcriptional repressor; plus strand). Cytogenetic location: 1p36.13.
Variant type: single nucleotide variant.
Coding change: c.6185T>C on transcript NM_015001.3 (MANE Select); coding-DNA position 6185, T replaced by C.
Protein change: p.Val2062Ala; replaces valine 2062 with alanine.
Molecular consequence: missense variant.
Genome position (GRCh38, 1-based): chr1:15,932,425, T>C. VCF-style: chr1-15932425-T-C. GRCh37 (hg19) VCF-style: chr1-16258920-T-C.
Other names: short protein forms V2062A.
Identifiers: ClinVar variation 2532125 (VCV002532125.5), dbSNP rs2523084887, ClinGen allele CA338632224.

ClinVar aggregate classification (germline): Uncertain significance. Review status: criteria provided, multiple submitters, no conflicts (2 of 4 stars). 2 submissions from 2 submitters: Uncertain significance (2). Last evaluated 2023-11-05.

Conditions:
Inborn genetic diseases. Identifiers: MedGen C0950123, MeSH D030342.

Allele frequency attached by ClinVar (database versions not stated): gnomAD exomes 0.00002.
gnomAD v4.1: 33 of 1,613,086 alleles (0.002%); highest among the groups gnomAD compares: Non-Finnish European, 0.0028%; no homozygotes.

Submissions (2):

Labcorp Genetics (formerly Invitae), Labcorp
Classification: Uncertain significance. Last evaluated: 2023-11-05. Review status: criteria provided, single submitter. Criteria: Invitae Variant Classification Sherloc (09022015). Collection method: clinical testing. Allele origin: germline.
Comment: This sequence change replaces valine, which is neutral and non-polar, with alanine, which is neutral and non-polar, at codon 2062 of the SPEN protein (p.Val2062Ala). This variant is not present in population databases (gnomAD no frequency). This variant has not been reported in the literature in individuals affected with SPEN-related conditions. ClinVar contains an entry for this variant (Variation ID: 2532125). Algorithms developed to predict the effect of missense changes on protein structure and function output the following: SIFT: "Not Available"; PolyPhen-2: "Benign"; Align-GVGD: "Not Available". The alanine amino acid residue is found in multiple mammalian species, which suggests that this missense change does not adversely affect protein function. In summary, the available evidence is currently insufficient to determine the role of this variant in disease. Therefore, it has been classified as a Variant of Uncertain Significance.

Ambry Genetics
Classification: Uncertain significance for Inborn genetic diseases. Last evaluated: 2023-03-31. Review status: criteria provided, single submitter. Criteria: Ambry Variant Classification Scheme 2023. Collection method: clinical testing. Allele origin: germline.